The following is an entry in ClinVar:

ClinVar aggregate classification (germline): Uncertain significance (1 of 4 stars; one submission).

Submission:

CeGaT Center for Human Genetics Tuebingen
Classification: Uncertain significance. Last evaluated: 2026-07-01. Review status: criteria provided, single submitter. Criteria: CeGaT Center For Human Genetics Tuebingen Variant Classification Criteria Version 2. Collection method: clinical testing. Allele origin: germline. Affected: yes. Observed: 1 variant allele.
Comment: SPEN: PM2

NM_015001.3(SPEN):c.2137C>G (p.Arg713Gly)

Gene: SPEN (spen family transcriptional repressor; plus strand). Cytogenetic location: 1p36.13.
Variant type: single nucleotide variant.
Coding change: c.2137C>G on transcript NM_015001.3 (MANE Select); coding-DNA position 2137, C replaced by G.
Protein change: p.Arg713Gly; replaces arginine 713 with glycine.
Molecular consequence: missense variant.
Genome position (GRCh38, 1-based): chr1:15,928,377, C>G. VCF-style: chr1-15928377-C-G. GRCh37 (hg19) VCF-style: chr1-16254872-C-G.
Other names: short protein forms R713G.
Identifiers: ClinVar variation 4875396 (VCV004875396.2).